The following is an entry in ClinVar:

NM_182931.3(KMT2E):c.1913G>C (p.Ser638Thr)

Gene: KMT2E (lysine methyltransferase 2E (inactive); plus strand). Cytogenetic location: 7q22.3.
Variant type: single nucleotide variant.
Coding change: c.1913G>C on transcript NM_182931.3 (MANE Select); coding-DNA position 1913, G replaced by C.
Protein change: p.Ser638Thr; replaces serine 638 with threonine.
Molecular consequence: missense variant.
Genome position (GRCh38, 1-based): chr7:105,101,911, G>C. VCF-style: chr7-105101911-G-C. GRCh37 (hg19) VCF-style: chr7-104742358-G-C.
Other names: c.1913G>C, p.Ser638Thr (NM_001410908.1, NM_018682.4); short protein forms S638T.
Identifiers: ClinVar variation 2816958 (VCV002816958.3), dbSNP rs1269035743, ClinGen allele CA368784594.
Genomic context (GRCh38, chr7:105,101,911, plus strand): 5'-TATAAAAACTTCCATTCGCTTGTATTTTGAATTAGGAACAAGCAAAAGAAGAAAATGCTA[G>C]CAAGCCAACCCCTGCCAAAGTAAATAGAACTAAACAGAGAAAAAGTTTTTCTCGGAGTAG-3'
Protein context (NP_891847.1, residues 628-648): IQEQAKEENA[Ser638Thr]KPTPAKVNRT

ClinVar aggregate classification (germline): Uncertain significance (1 of 4 stars; one submission).

Allele frequency attached by ClinVar (database versions not stated): gnomAD exomes 0.00001.
gnomAD v4.1: 12 of 1,609,228 alleles (0.00075%); highest among the groups gnomAD compares: Non-Finnish European, 0.00093%; no homozygotes.

Submission:

Labcorp Genetics (formerly Invitae), Labcorp
Classification: Uncertain significance. Last evaluated: 2024-01-17. Review status: criteria provided, single submitter. Criteria: Invitae Variant Classification Sherloc (09022015). Collection method: clinical testing. Allele origin: germline.
Comment: This sequence change replaces serine, which is neutral and polar, with threonine, which is neutral and polar, at codon 638 of the KMT2E protein (p.Ser638Thr). The frequency data for this variant in the population databases is considered unreliable, as metrics indicate poor data quality at this position in the gnomAD database. This variant has not been reported in the literature in individuals affected with KMT2E-related conditions. Advanced modeling of protein sequence and biophysical properties (such as structural, functional, and spatial information, amino acid conservation, physicochemical variation, residue mobility, and thermodynamic stability) performed at Invitae indicates that this missense variant is not expected to disrupt KMT2E protein function with a negative predictive value of 80%. In summary, the available evidence is currently insufficient to determine the role of this variant in disease. Therefore, it has been classified as a Variant of Uncertain Significance.